The following is an entry in ClinVar:

NM_001382567.1(STIM1):c.1895C>T (p.Pro632Leu)

Genes: STIM1 (stromal interaction molecule 1; plus strand), LOC124418421 (Sharpr-MPRA regulatory region 9588; plus strand). Cytogenetic location: 11p15.4.
Variant type: single nucleotide variant.
Coding change: c.1895C>T on transcript NM_001382567.1 (MANE Select); coding-DNA position 1895, C replaced by T.
Protein change: p.Pro632Leu; replaces proline 632 with leucine.
Molecular consequence: missense variant. On other transcripts: 3 prime UTR variant (4), non-coding transcript variant (3).
Genome position (GRCh38, 1-based): chr11:4,091,542, C>T. VCF-style: chr11-4091542-C-T. GRCh37 (hg19) VCF-style: chr11-4112772-C-T.
Other names: c.1823C>T, p.Pro608Leu (NM_001382568.1); c.1667C>T, p.Pro556Leu (NM_001382569.1); c.1574C>T, p.Pro525Leu (NM_001382570.1); c.1322C>T, p.Pro441Leu (NM_001382571.1); c.1580C>T, p.Pro527Leu (NM_001382575.1, NM_001382576.1, NM_001382577.1); c.*216C>T (NM_001382578.1, NM_001382579.1, NM_001382580.1 and 1 more transcripts); c.1313C>T, p.Pro438Leu (NM_001382581.1); c.1802C>T, p.Pro601Leu (NM_003156.4); and 2 more; short protein forms P441L, P525L, P527L, P707L, P438L, P632L, P633L, P601L.
Identifiers: ClinVar variation 2928382 (VCV002928382.3), dbSNP rs202057312, ClinGen allele CA379197444.
Genomic context (GRCh38, chr11:4,091,542, plus strand): 5'-AGGCATTACTGGCGCTGAACCATGGGCTGGACAAGGCCCACAGCCTGATGGAGCTGAGCC[C>T]CTCAGCCCCACCTGGTGGCTCTCCACATTTGGATTCTTCCCGTTCTCACAGCCCCAGCTC-3'
Protein context (NP_001369496.1, residues 622-642): DKAHSLMELS[Pro632Leu]SAPPGGSPHL

ClinVar aggregate classification (germline): Uncertain significance (1 of 4 stars; one submission).

Conditions:
Stormorken syndrome (STRMK). Also called: THROMBOCYTOPATHY, ASPLENIA, AND MIOSIS. Identifiers: Orphanet 3204, MedGen C1861451, MONDO:0008497, OMIM 185070.
Combined immunodeficiency due to STIM1 deficiency. Also called: STIM1 DEFICIENCY; IMMUNODEFICIENCY 10. Identifiers: Orphanet 169090, Orphanet 317430, MedGen C2748557, MONDO:0013008, OMIM 612783.
Myopathy with tubular aggregates (TAM). Also called: Tubular Aggregate Myopathy. Identifiers: Orphanet 2593, MedGen C0410207, MONDO:0008051.

Submission:

Labcorp Genetics (formerly Invitae), Labcorp
Classification: Uncertain significance for Myopathy with tubular aggregates; Combined immunodeficiency due to STIM1 deficiency; Stormorken syndrome. Last evaluated: 2025-05-19. Review status: criteria provided, single submitter. Criteria: Invitae Variant Classification Sherloc (09022015). Collection method: clinical testing. Allele origin: germline.
Comment: This sequence change replaces proline, which is neutral and non-polar, with leucine, which is neutral and non-polar, at codon 601 of the STIM1 protein (p.Pro601Leu). This variant is not present in population databases (gnomAD no frequency). This variant has not been reported in the literature in individuals affected with STIM1-related conditions. ClinVar contains an entry for this variant (Variation ID: 2928382). Invitae Evidence Modeling of protein sequence and biophysical properties (such as structural, functional, and spatial information, amino acid conservation, physicochemical variation, residue mobility, and thermodynamic stability) indicates that this missense variant is not expected to disrupt STIM1 protein function with a negative predictive value of 95%. In summary, the available evidence is currently insufficient to determine the role of this variant in disease. Therefore, it has been classified as a Variant of Uncertain Significance.